The following is an entry in ClinVar:

NM_001035.3(RYR2):c.14709T>A (p.His4903Gln)

Gene: RYR2 (ryanodine receptor 2; plus strand). Cytogenetic location: 1q43.
Variant type: single nucleotide variant.
Coding change: c.14709T>A on transcript NM_001035.3 (MANE Select); coding-DNA position 14709, T replaced by A.
Protein change: p.His4903Gln; replaces histidine 4903 with glutamine.
Molecular consequence: missense variant.
Genome position (GRCh38, 1-based): chr1:237,830,583, T>A. VCF-style: chr1-237830583-T-A. GRCh37 (hg19) VCF-style: chr1-237993883-T-A.
Other names: short protein forms H4903Q.
Identifiers: ClinVar variation 2099174 (VCV002099174.4), dbSNP rs2528471722, ClinGen allele CA345409745.
Genomic context (GRCh38, chr1:237,830,583, plus strand): 5'-TTTCTAGACCAAATGCTTCATCTGTGGGATAGGCAATGATTACTTCGACACAGTGCCACA[T>A]GGCTTTGAAACCCACACTTTACAGGAGCACAACTTGGCTAATTACTTGTGAGTGTGCCCG-3'
Protein context (NP_001026.2, residues 4893-4913): IGNDYFDTVP[His4903Gln]GFETHTLQEH

ClinVar aggregate classification (germline): Uncertain significance (1 of 4 stars; one submission).

Conditions:
Catecholaminergic polymorphic ventricular tachycardia 1. Also called: VENTRICULAR TACHYCARDIA, STRESS-INDUCED POLYMORPHIC 1; RYR2-Related Catecholaminergic Polymorphic Ventricular Tachycardia; VENTRICULAR TACHYCARDIA, CATECHOLAMINERGIC POLYMORPHIC, 1, WITH OR WITHOUT ATRIAL DYSFUNCTION AND/OR DILATED CARDIOMYOPATHY. Identifiers: Orphanet 3286, MedGen C1631597, MONDO:0011484, OMIM 604772.

Submission:

Labcorp Genetics (formerly Invitae), Labcorp
Classification: Uncertain significance for Catecholaminergic polymorphic ventricular tachycardia 1. Last evaluated: 2022-02-19. Review status: criteria provided, single submitter. Criteria: Invitae Variant Classification Sherloc (09022015). Collection method: clinical testing. Allele origin: germline.
Comment: This sequence change replaces histidine, which is basic and polar, with glutamine, which is neutral and polar, at codon 4903 of the RYR2 protein (p.His4903Gln). This variant is not present in population databases (gnomAD no frequency). This variant has not been reported in the literature in individuals affected with RYR2-related conditions. Advanced modeling of protein sequence and biophysical properties (such as structural, functional, and spatial information, amino acid conservation, physicochemical variation, residue mobility, and thermodynamic stability) performed at Invitae indicates that this missense variant is expected to disrupt RYR2 protein function. In summary, the available evidence is currently insufficient to determine the role of this variant in disease. Therefore, it has been classified as a Variant of Uncertain Significance.